The following is an entry in ClinVar:

ClinVar aggregate classification (germline): Pathogenic/Likely pathogenic. Review status: criteria provided, multiple submitters, no conflicts (2 of 4 stars). 19 submissions from 19 submitters: Pathogenic (11); Likely pathogenic (4). 4 of the submissions do not count toward it. Last evaluated 2026-09-01.

Conditions:
Polycystic kidney disease 2 (PKD2). Also called: Polycystic Kidney Disease 2, Autosomal Dominant; POLYCYSTIC KIDNEY DISEASE 2 WITH OR WITHOUT POLYCYSTIC LIVER DISEASE; POLYCYSTIC KIDNEY DISEASE, ADULT, TYPE II. Identifiers: MedGen C2751306, MONDO:0013131, OMIM 613095.
Inborn genetic diseases. Identifiers: MedGen C0950123, MeSH D030342.
PKD2-related disorder. Also called: PKD2-related condition.
Autosomal dominant polycystic kidney disease. Identifiers: Orphanet 730, MedGen C0085413, MONDO:0004691.
Polycystic kidney disease. Also called: Kidney, Polycystic; Polycystic kidney dysplasia. Identifiers: MedGen C0022680, MeSH D007690, MONDO:0020642, HP:0000113.

Allele frequency attached by ClinVar (database versions not stated): gnomAD exomes below 0.00001; gnomAD 0.00001.

Submissions 1 to 13 of 19:

GeneDx
Classification: Pathogenic. Last evaluated: 2026-09-01. Review status: criteria provided, single submitter. Criteria: GeneDx Variant Classification Process June 2021. Collection method: clinical testing. Allele origin: germline.
Comment: Reported to segregate with disease in multiple affected individuals from a single family in published literature (PMID: 11968093); however, limited clinical information was provided; Published functional studies suggest this variant disrupts normal complex formation (PMID: 25574838); Not observed at significant frequency in large population cohorts (gnomAD); In silico analysis supports that this missense variant has a deleterious effect on protein structure/function; This variant is associated with the following publications: (PMID: 16767665, 15192819, 17100995, 23300259, 28356211, 17582161, 32332171, 33454723, 33437033, 32816041, 34101167, 35778421, 37028763, 36938073, 11968093, 25574838, 37509056, 42412748)

Victorian Clinical Genetics Services, Murdoch Childrens Research Institute
Classification: Pathogenic for Polycystic kidney disease 2. Last evaluated: 2026-03-05. Review status: criteria provided, single submitter. Criteria: ACMG Guidelines, 2015. Collection method: clinical testing. Allele origin: germline. Affected: yes.
Comment: This variant is classified as Pathogenic. Evidence in support of pathogenic classification: Variant is present in gnomAD <0.001 for a dominant condition (v4: 4 heterozygote(s), 0 homozygote(s)); This variant has strong previous evidence of pathogenicity in unrelated individuals. This variant has been classified as pathogenic by multiple clinical laboratories in ClinVar and reported in the literature in a family with polycystic kidney disease (PMID:11968093); Missense variant predicted to be damaging by in silico tool(s) or highly conserved with a major amino acid change. Additional information: Variant is predicted to result in a missense amino acid change from Arg to Trp; This variant is heterozygous; This gene is associated with autosomal dominant disease; Alternative amino acid change(s) at the same position are present in gnomAD (highest allele count: v4: 5 heterozygote(s), 0 homozygote(s)); Variant is located in the annotated polycystin domain (DECIPHER); Loss of function is a known mechanism of disease in this gene and is associated with polycystic kidney disease 2 (MIM#613095). - Inheritance information for this variant is not currently available in this individual.

Medical and Scientific Branch, Hong Kong Genome Institute
Classification: Likely pathogenic for Polycystic kidney disease 2. Last evaluated: 2026-01-26. Review status: criteria provided, single submitter. Criteria: ACMG Guidelines, 2015. Collection method: clinical testing. Allele origin: unknown. Affected: yes.

PreventionGenetics, part of Exact Sciences
Classification: Pathogenic for PKD2-related condition. Last evaluated: 2025-12-18. Review status: criteria provided, single submitter. Criteria: ACMG Guidelines, 2015. Collection method: clinical testing. Allele origin: germline.
Comment: The PKD2 c.964C>T variant is predicted to result in the amino acid substitution p.Arg322Trp. This variant has been reported to segregate with autosomal dominant polycystic kidney disease (ADPKD) in a large Czech family (Reiterova et al. 2002. PubMed ID: 11968093). This variant has also been reported in several other unrelated patients with ADPKD (Chung et al. 2006. PubMed ID: 17100995; P15 in Kim et al. 2021. PubMed ID: 32816041; Supp. Table 3, Benson et al. 2021. PubMed ID: 33454723). Different changes at the same codon have also been reported in patients with ADPKD (p.Arg322Gly in Audrézet et al. 2016. PubMed ID: 26139440; p.Arg322Gln in Robinson et al. 2012. PubMed ID: 22863349 and Trujillano et al. 2014. PubMed ID: 25333066). The c.964C>T (p.Arg322Trp) variant has not been reported in a large population database (gnomAD), indicating this variant is rare. This variant is interpreted as pathogenic.

CeGaT Center for Human Genetics Tuebingen
Classification: Pathogenic. Last evaluated: 2025-07-01. Review status: criteria provided, single submitter. Criteria: CeGaT Center For Human Genetics Tuebingen Variant Classification Criteria Version 2. Collection method: clinical testing. Allele origin: germline. Affected: yes. Observed: 3 variant alleles.
Comment: PKD2: PP1:Strong, PS4, PM2, PM5, PS3:Supporting

Fulgent Genetics
Classification: Pathogenic for Polycystic kidney disease 2. Last evaluated: 2024-05-31. Review status: criteria provided, single submitter. Criteria: ACMG Guidelines, 2015. Collection method: clinical testing. Allele origin: germline.

Blueprint Genetics
Classification: Pathogenic for PKD2-related disorders. Last evaluated: 2023-10-26. Review status: criteria provided, single submitter. Criteria: ACMG Guidelines, 2015. Collection method: clinical testing. Allele origin: germline. Affected: yes. Observed: 4 variant alleles.

Mayo Clinic Laboratories, Mayo Clinic
Classification: Pathogenic. Last evaluated: 2023-08-14. Review status: criteria provided, single submitter. Criteria: ACMG Guidelines, 2015. Collection method: clinical testing. Allele origin: germline. Observed: 1 variant allele.
Comment: PP1, PP3, PM2, PM5, PS3_moderate, PS4

Athena Diagnostics
Classification: Pathogenic. Last evaluated: 2022-12-30. Review status: criteria provided, single submitter. Criteria: Athena Diagnostics Criteria. Collection method: clinical testing. Allele origin: unknown.
Comment: This variant has not been reported in large, multi-ethnic general populations. This variant has been identified in multiple unrelated individuals with clinical features associated with this gene. Assessment of experimental evidence suggests this variant results in abnormal protein function. (25574838, 32332171)

Labcorp Genetics (formerly Invitae), Labcorp
Classification: Pathogenic for Autosomal dominant polycystic kidney disease. Last evaluated: 2022-11-08. Review status: criteria provided, single submitter. Criteria: Invitae Variant Classification Sherloc (09022015). Collection method: clinical testing. Allele origin: germline.
Comment: ClinVar contains an entry for this variant (Variation ID: 448039). This missense change has been observed in individuals with autosomal dominant polycystic kidney disease (PMID: 11968093, 15192819, 23300259; 17582161. 17100995). It has also been observed to segregate with disease in related individuals. This variant is not present in population databases (gnomAD no frequency). This sequence change replaces arginine, which is basic and polar, with tryptophan, which is neutral and slightly polar, at codon 322 of the PKD2 protein (p.Arg322Trp). For these reasons, this variant has been classified as Pathogenic. This variant disrupts the p.Arg322 amino acid residue in PKD2. Other variant(s) that disrupt this residue have been determined to be pathogenic (PMID: 15772804, 16540757, 23300259, 25574838). This suggests that this residue is clinically significant, and that variants that disrupt this residue are likely to be disease-causing. Experimental studies have shown that this missense change affects PKD2 function (PMID: 25574838). Advanced modeling of protein sequence and biophysical properties (such as structural, functional, and spatial information, amino acid conservation, physicochemical variation, residue mobility, and thermodynamic stability) performed at Invitae indicates that this missense variant is expected to disrupt PKD2 protein function.

Ambry Genetics
Classification: Pathogenic for Inborn genetic diseases. Last evaluated: 2022-10-13. Review status: criteria provided, single submitter. Criteria: Ambry Variant Classification Scheme 2023. Collection method: clinical testing. Allele origin: germline.
Comment: The c.964C>T (p.R322W) alteration is located in exon 4 (coding exon 4) of the PKD2 gene. This alteration results from a C to T substitution at nucleotide position 964, causing the arginine (R) at amino acid position 322 to be replaced by a tryptophan (W). This variant was not reported in population-based cohorts in the Genome Aggregation Database (gnomAD). This alteration has been observed in multiple individuals with a personal and/or family history of autosomal dominant polycystic kidney disease (Reiterov&aacute;, 2002; Zhang, 2005; Rossetti, 2007; Neumann, 2013; Cornec-Le Gall, 2017; Benson, 2021; Mallawaarachchi, 2021; Kim, 2021; Yu, 2022). This amino acid position is highly conserved in available vertebrate species. Functional studies indicate this variant impairs channel gating without impacting channel cilia localization (Vien, 2020). This alteration is predicted to be deleterious by in silico analysis. Based on the available evidence, this alteration is classified as pathogenic.

Department of Human Genetics, Hannover Medical School
Classification: Likely pathogenic for Polycystic kidney disease 2. Last evaluated: 2022-03-23. Review status: criteria provided, single submitter. Criteria: ACMG Guidelines, 2015. Collection method: clinical testing. Allele origin: germline. Inheritance: Autosomal dominant inheritance. Affected: yes.

Cavalleri Lab, Royal College of Surgeons in Ireland
Classification: Likely pathogenic for Polycystic kidney disease 2. Last evaluated: 2020-02-05. Review status: criteria provided, single submitter. Criteria: ACMG Guidelines, 2015. Collection method: research. Allele origin: unknown. Inheritance: Autosomal dominant inheritance. Affected: yes.
Comment: PM2, PM2, PP2, PP3, PP4, PP5

NM_000297.4(PKD2):c.964C>T (p.Arg322Trp)

Gene: PKD2 (polycystin 2, transient receptor potential cation channel; plus strand). Cytogenetic location: 4q22.1.
Variant type: single nucleotide variant.
Coding change: c.964C>T on transcript NM_000297.4 (MANE Select); coding-DNA position 964, C replaced by T.
Protein change: p.Arg322Trp; replaces arginine 322 with tryptophan.
Molecular consequence: missense variant. On other transcripts: non-coding transcript variant (1).
Genome position (GRCh38, 1-based): chr4:88,038,371, C>T. VCF-style: chr4-88038371-C-T. GRCh37 (hg19) VCF-style: chr4-88959523-C-T.
Other names: p.Arg322Trp; short protein forms R322W.
Identifiers: ClinVar variation 448039 (VCV000448039.50), dbSNP rs1553925453, ClinGen allele CA357632796.